The following is an entry in ClinVar:

ClinVar aggregate classification (germline): Uncertain significance (1 of 4 stars; one submission).

Conditions:
Hereditary cancer-predisposing syndrome. Also called: Neoplastic Syndromes, Hereditary; Hereditary Cancer Syndrome; Hereditary neoplastic syndrome; Tumor predisposition. Identifiers: Orphanet 140162, MedGen C0027672, MeSH D009386, MONDO:0015356.

Submission:

Ambry Genetics
Classification: Uncertain significance for Hereditary cancer-predisposing syndrome. Last evaluated: 2023-04-18. Review status: criteria provided, single submitter. Criteria: Ambry Variant Classification Scheme 2023. Collection method: clinical testing. Allele origin: germline.
Comment: The p.K658N variant (also known as c.1974G>T), located in coding exon 18 of the TSC2 gene, results from a G to T substitution at nucleotide position 1974. The lysine at codon 658 is replaced by asparagine, an amino acid with similar properties. This amino acid position is conserved. In addition, the in silico prediction for this alteration is inconclusive. Since supporting evidence is limited at this time, the clinical significance of this alteration remains unclear.

NM_000548.5(TSC2):c.1974G>T (p.Lys658Asn)

Gene: TSC2 (TSC complex subunit 2; plus strand). Cytogenetic location: 16p13.3.
Variant type: single nucleotide variant.
Coding change: c.1974G>T on transcript NM_000548.5 (MANE Select); coding-DNA position 1974, G replaced by T.
Protein change: p.Lys658Asn; replaces lysine 658 with asparagine.
Molecular consequence: missense variant. On other transcripts: non-coding transcript variant (5).
Genome position (GRCh38, 1-based): chr16:2,071,811, G>T. VCF-style: chr16-2071811-G-T. GRCh37 (hg19) VCF-style: chr16-2121812-G-T.
Other names: c.1974G>T, p.Lys658Asn (NM_001077183.3, NM_001114382.3, NM_001363528.2 and 6 more transcripts); c.1863G>T, p.Lys621Asn (NM_001318827.2, NM_001406670.1, NM_001406678.1); c.1827G>T, p.Lys609Asn (NM_001318829.2, NM_001406675.1, NM_001406676.1 and 1 more transcripts); c.1374G>T, p.Lys458Asn (NM_001318831.2, NM_001406680.1, NM_001406682.1 and 6 more transcripts); c.2007G>T, p.Lys669Asn (NM_001318832.2); c.2064G>T, p.Lys688Asn (NM_001406667.1, NM_001406668.1); c.1962G>T, p.Lys654Asn (NM_001406671.1, NM_001406673.1); c.1917G>T, p.Lys639Asn (NM_001406677.1); and 3 more; short protein forms K458N, K609N, K639N, K124N, K688N, K658N, K669N, K210N.
Identifiers: ClinVar variation 2564678 (VCV002564678.2), dbSNP rs1353218608, ClinGen allele CA394274351.